The following is an entry in ClinVar:

NM_001292063.2(OTOG):c.8492TGACCATCCGCA[1] (p.Met2835_Arg2838del)

Gene: OTOG (otogelin; plus strand). Cytogenetic location: 11p15.1.
Variant type: Microsatellite.
Coding change: c.8492TGACCATCCGCA[1] on transcript NM_001292063.2 (MANE Select); one copy of the 12-base unit TGACCATCCGCA starting at c.8492; the reference has two copies in a row; one copy, 12 bases deleted.
Protein change: p.Met2835_Arg2838del.
Molecular consequence: inframe deletion.
Genome position (GRCh38, 1-based): chr11:17,645,606-17,645,617, TGACCATCCGCA deleted; deleting any 12 consecutive bases within chr11:17,645,594-17,645,617 gives the same sequence; the position shown is the placement nearest the transcript's 3' end. VCF-style (leftmost placement, unchanged base first): chr11-17645593-GTGACCATCCGCA-G. GRCh37 (hg19) VCF-style: chr11-17667140-GTGACCATCCGCA-G.
Other names: c.8528TGACCATCCGCA[1], p.Met2847_Arg2850del (NM_001277269.2).
Identifiers: ClinVar variation 2175243 (VCV002175243.4), dbSNP rs1311733465, ClinGen allele CA597678186.

ClinVar aggregate classification (germline): Uncertain significance (1 of 4 stars; one submission).

Submission:

Labcorp Genetics (formerly Invitae), Labcorp
Classification: Uncertain significance. Last evaluated: 2024-04-29. Review status: criteria provided, single submitter. Criteria: Invitae Variant Classification Sherloc (09022015). Collection method: clinical testing. Allele origin: germline.
Comment: This variant, c.8540_8551del, results in the deletion of 4 amino acid(s) of the OTOG protein (p.Met2847_Arg2850del), but otherwise preserves the integrity of the reading frame. This variant is present in population databases (no rsID available, gnomAD 0.01%). This variant has been observed in individual(s) with deafness (Invitae). Experimental studies and prediction algorithms are not available or were not evaluated, and the functional significance of this variant is currently unknown. Algorithms developed to predict the effect of sequence changes on RNA splicing suggest that this variant may disrupt the consensus splice site. In summary, the available evidence is currently insufficient to determine the role of this variant in disease. Therefore, it has been classified as a Variant of Uncertain Significance.